The following is an entry in ClinVar:

NM_005591.4(MRE11):c.*2067A>G

Gene: MRE11 (MRE11 homolog, double strand break repair nuclease; minus strand). Cytogenetic location: 11q21.
Variant type: single nucleotide variant.
Coding change: c.*2067A>G on transcript NM_005591.4 (MANE Select); 2067 bases downstream of the stop codon, A replaced by G.
Molecular consequence: 3 prime UTR variant.
Genome position (GRCh38, 1-based): chr11:94,418,058, T>C on the plus strand (A>G on the coding strand, the complement: MRE11 is on the minus strand). VCF-style: chr11-94418058-T-C. GRCh37 (hg19) VCF-style: chr11-94151224-T-C.
Other names: c.*2067A>G (NM_001330347.2, NM_005590.4).
Identifiers: ClinVar variation 306458 (VCV000306458.5), dbSNP rs13447755, ClinGen allele CA10639668.

ClinVar aggregate classification (germline): Benign (1 of 4 stars; one submission).

Conditions:
Ataxia-telangiectasia-like disorder 1 (ATLD1). Identifiers: Orphanet 251347, MedGen C4012790, MONDO:0024557, OMIM 604391.

Allele frequency attached by ClinVar (database versions not stated): gnomAD exomes 0.00113; 1000 Genomes Project 0.00459; gnomAD 0.00555 and 0.00598; 1000 Genomes Project 30x 0.00562; TOPMed 0.00629.
gnomAD v4.1: 946 of 233,138 alleles (0.41%); highest among the groups gnomAD compares: African/African-American, 1.9%; 15 homozygotes.

Submission:

Illumina Laboratory Services, Illumina
Classification: Benign for Ataxia-telangiectasia-like disorder 1. Last evaluated: 2018-01-12. Review status: criteria provided, single submitter. Criteria: ICSL Variant Classification Criteria 13 December 2019. Collection method: clinical testing. Allele origin: germline.
Comment: This variant was observed in the ICSL laboratory as part of a predisposition screen in an ostensibly healthy population. It had not been previously curated by ICSL or reported in the Human Gene Mutation Database (HGMD: prior to June 1st, 2018), and was therefore a candidate for classification through an automated scoring system. Utilizing variant allele frequency, disease prevalence and penetrance estimates, and inheritance mode, an automated score was calculated to assess if this variant is too frequent to cause the disease. Based on the score and internal cut-off values, a variant classified as benign is not then subjected to further curation. The score for this variant resulted in a classification of benign for this disease.